The following is an entry in ClinVar:

NM_052872.4(IL17F):c.*123C>T

Gene: IL17F (interleukin 17F; minus strand). Cytogenetic location: 6p12.2.
Variant type: single nucleotide variant.
Coding change: c.*123C>T on transcript NM_052872.4 (MANE Select); 123 bases downstream of the stop codon, C replaced by T.
Molecular consequence: 3 prime UTR variant.
Genome position (GRCh38, 1-based): chr6:52,236,808, G>A on the plus strand (C>T on the coding strand, the complement: IL17F is on the minus strand). VCF-style: chr6-52236808-G-A. GRCh37 (hg19) VCF-style: chr6-52101606-G-A.
Identifiers: ClinVar variation 357465 (VCV000357465.5), dbSNP rs189630805, ClinGen allele CA10622460.

ClinVar aggregate classification (germline): Benign (1 of 4 stars; one submission).

Conditions:
Candidiasis, familial, 6 (CANDF6). Also called: Candidiasis, familial, 6, autosomal dominant. Identifiers: Orphanet 1334, MedGen C3151405, MONDO:0013503, OMIM 613956.

Allele frequency attached by ClinVar (database versions not stated): 1000 Genomes Project 30x 0.00203; 1000 Genomes Project 0.00220; TOPMed 0.00712; gnomAD 0.00842 and 0.00870.
gnomAD v4.1: 7,777 of 798,730 alleles (0.97%); highest among the groups gnomAD compares: Non-Finnish European, 1.2%; 55 homozygotes.

Submission:

Illumina Laboratory Services, Illumina
Classification: Benign for Candidiasis, familial, 6. Last evaluated: 2018-01-13. Review status: criteria provided, single submitter. Criteria: ICSL Variant Classification Criteria 13 December 2019. Collection method: clinical testing. Allele origin: germline.
Comment: This variant was observed in the ICSL laboratory as part of a predisposition screen in an ostensibly healthy population. It had not been previously curated by ICSL or reported in the Human Gene Mutation Database (HGMD: prior to June 1st, 2018), and was therefore a candidate for classification through an automated scoring system. Utilizing variant allele frequency, disease prevalence and penetrance estimates, and inheritance mode, an automated score was calculated to assess if this variant is too frequent to cause the disease. Based on the score and internal cut-off values, a variant classified as benign is not then subjected to further curation. The score for this variant resulted in a classification of benign for this disease.